The following is an entry in ClinVar:

ClinVar aggregate classification (germline): Uncertain significance (1 of 4 stars; one submission).

Conditions:
LONP1-related disorder. Also called: LONP1-related disorders; LONP1-related condition.

Submission:

3billion
Classification: Uncertain significance for LONP1-related disorder. Last evaluated: 2025-12-23. Review status: criteria provided, single submitter. Criteria: ACMG Guidelines, 2015. Collection method: clinical testing. Allele origin: germline. Affected: yes.
Comment: The variant is not observed in the gnomAD v4.1.0 dataset. Predicted Consequence/Location: Missense variant Damaging effect on gene or gene product predicted by in silico programs is uncertain [REVEL: 0.54 (damaging >=0.6, benign <0.4), 3Cnet: 0.29 (damaging >0.75, benign <0.1)]. Different missense changes at the same codon (p.Arg301Gly, p.Arg301Trp) have been reported as pathogenic/likely pathogenic with strong evidence (ClinVar ID: VCV002498748, VCV002577993 /PMID: 31923470). Therefore, this variant is classified as VUS according to the recommendation of ACMG/AMP guideline.

Literature cited by the submitters: PubMed 31923470.

NM_004793.4(LONP1):c.902G>C (p.Arg301Pro)

Gene: LONP1 (lon peptidase 1, mitochondrial; minus strand). Cytogenetic location: 19p13.3.
Variant type: single nucleotide variant.
Coding change: c.902G>C on transcript NM_004793.4 (MANE Select); coding-DNA position 902, G replaced by C.
Protein change: p.Arg301Pro; replaces arginine 301 with proline.
Molecular consequence: missense variant. On other transcripts: non-coding transcript variant (1).
Genome position (GRCh38, 1-based): chr19:5,708,372, C>G on the plus strand (G>C on the coding strand, the complement: LONP1 is on the minus strand). VCF-style: chr19-5708372-C-G. GRCh37 (hg19) VCF-style: chr19-5708383-C-G.
Other names: c.710G>C, p.Arg237Pro (NM_001276479.2); c.314G>C, p.Arg105Pro (NM_001276480.1); short protein forms R105P, R237P, R301P.
Identifiers: ClinVar variation 4854493 (VCV004854493.1).
Genomic context (GRCh38, chr19:5,708,372, plus strand): 5'-GCCTGGCCAGCTGCCCGCACAGAGGCCCACCTGTAGAGAGGGTTCAAGGCAATGATGTCC[C>G]GGATGGTCTTCACGATCTCTGCAGTCAGGGCCTGCCAAGTATGGGGCAGGGTCGCTGGGG-3'
Protein context (NP_004784.2, residues 291-311): ALTAEIVKTI[Arg301Pro]DIIALNPLYR